The following is an entry in ClinVar:

ClinVar aggregate classification (germline): Uncertain significance (1 of 4 stars; one submission).

Conditions:
Neuroblastoma, susceptibility to, 3. Also called: ALK-Related Neuroblastic Tumor Susceptibility. Identifiers: Orphanet 635, MedGen C2751681, MONDO:0013083, OMIM 613014.

Submission:

Labcorp Genetics (formerly Invitae), Labcorp
Classification: Uncertain significance for Neuroblastoma, susceptibility to, 3. Last evaluated: 2024-04-27. Review status: criteria provided, single submitter. Criteria: Invitae Variant Classification Sherloc (09022015). Collection method: clinical testing. Allele origin: germline.
Comment: This sequence change replaces methionine, which is neutral and non-polar, with isoleucine, which is neutral and non-polar, at codon 1223 of the ALK protein (p.Met1223Ile). This variant is not present in population databases (gnomAD no frequency). This variant has not been reported in the literature in individuals affected with ALK-related conditions. An algorithm developed to predict the effect of missense changes on protein structure and function (PolyPhen-2) suggests that this variant is likely to be disruptive. In summary, the available evidence is currently insufficient to determine the role of this variant in disease. Therefore, it has been classified as a Variant of Uncertain Significance.

NM_004304.5(ALK):c.3669G>C (p.Met1223Ile)

Gene: ALK (ALK receptor tyrosine kinase; minus strand). Cytogenetic location: 2p23.2.
Variant type: single nucleotide variant.
Coding change: c.3669G>C on transcript NM_004304.5 (MANE Select); coding-DNA position 3669, G replaced by C.
Protein change: p.Met1223Ile; replaces methionine 1223 with isoleucine.
Molecular consequence: missense variant.
Genome position (GRCh38, 1-based): chr2:29,214,058, C>G on the plus strand (G>C on the coding strand, the complement: ALK is on the minus strand). VCF-style: chr2-29214058-C-G. GRCh37 (hg19) VCF-style: chr2-29436924-C-G.
Other names: c.465G>C, p.Met155Ile (NM_001353765.2); short protein forms M1223I, M155I.
Identifiers: ClinVar variation 3651317 (VCV003651317.2).